The following is an entry in ClinVar:

NM_138387.4(G6PC3):c.922C>T (p.Leu308Phe)

Gene: G6PC3 (glucose-6-phosphatase catalytic subunit 3; plus strand). Cytogenetic location: 17q21.31.
Variant type: single nucleotide variant.
Coding change: c.922C>T on transcript NM_138387.4 (MANE Select); coding-DNA position 922, C replaced by T.
Protein change: p.Leu308Phe; replaces leucine 308 with phenylalanine.
Molecular consequence: missense variant. On other transcripts: 3 prime UTR variant (1).
Genome position (GRCh38, 1-based): chr17:44,075,924, C>T. VCF-style: chr17-44075924-C-T. GRCh37 (hg19) VCF-style: chr17-42153292-C-T.
Other names: c.*215C>T (NM_001319945.2); c.577C>T, p.Leu193Phe (NM_001384165.1, NM_001384166.1, NM_001384167.1 and 1 more transcripts); short protein forms L308F, L193F.
Identifiers: ClinVar variation 953960 (VCV000953960.10), dbSNP rs2050097163, ClinGen allele CA399729592.
Genomic context (GRCh38, chr17:44,075,924, plus strand): 5'-GTGCTGGCCATGGGGCTGCTGGGCCCCCTGGACTGGCTGGGCCACCCCCCTCAGATCAGC[C>T]TCTTCTACATTTTCAATTTCCTCAAGTACACCCTCTGGCCATGCCTAGTCCTGGCCCTCG-3'
Protein context (NP_612396.1, residues 298-318): DWLGHPPQIS[Leu308Phe]FYIFNFLKYT

ClinVar aggregate classification (germline): Uncertain significance. Review status: criteria provided, multiple submitters, no conflicts (2 of 4 stars). 2 submissions from 2 submitters: Uncertain significance (2). Last evaluated 2025-01-06.

Conditions:
Inborn genetic diseases. Identifiers: MedGen C0950123, MeSH D030342.
Autosomal recessive severe congenital neutropenia due to G6PC3 deficiency. Also called: G6PC3 Deficiency; NEUTROPENIA, SEVERE CONGENITAL, 4, AUTOSOMAL RECESSIVE. Identifiers: Orphanet 331176, MedGen C2751630, MONDO:0012930, OMIM 612541.

Allele frequency attached by ClinVar (database versions not stated): gnomAD exomes below 0.00001.
gnomAD v4.1: 1 of 1,613,232 alleles (0.000062%); highest among the groups gnomAD compares: Non-Finnish European, 0.000085%; no homozygotes.

Submissions (2):

Ambry Genetics
Classification: Uncertain significance for Inborn genetic diseases. Last evaluated: 2025-01-06. Review status: criteria provided, single submitter. Criteria: Ambry Variant Classification Scheme 2023. Collection method: clinical testing. Allele origin: germline.
Comment: The p.L308F variant (also known as c.922C>T), located in coding exon 6 of the G6PC3 gene, results from a C to T substitution at nucleotide position 922. The leucine at codon 308 is replaced by phenylalanine, an amino acid with highly similar properties. This amino acid position is conserved. In addition, the in silico prediction for this alteration is inconclusive. Based on the available evidence, the clinical significance of this variant remains unclear.

Labcorp Genetics (formerly Invitae), Labcorp
Classification: Uncertain significance for Autosomal recessive severe congenital neutropenia due to G6PC3 deficiency. Last evaluated: 2019-07-19. Review status: criteria provided, single submitter. Criteria: Invitae Variant Classification Sherloc (09022015). Collection method: clinical testing. Allele origin: germline.
Comment: In summary, the available evidence is currently insufficient to determine the role of this variant in disease. Therefore, it has been classified as a Variant of Uncertain Significance. Algorithms developed to predict the effect of missense changes on protein structure and function are either unavailable or do not agree on the potential impact of this missense change (SIFT: "Deleterious"; PolyPhen-2: "Possibly Damaging"; Align-GVGD: "Class C0"). This variant has not been reported in the literature in individuals with G6PC3-related conditions. This variant is not present in population databases (ExAC no frequency). This sequence change replaces leucine with phenylalanine at codon 308 of the G6PC3 protein (p.Leu308Phe). The leucine residue is moderately conserved and there is a small physicochemical difference between leucine and phenylalanine.